The following is an entry in ClinVar:

NM_001111125.3(IQSEC2):c.848del (p.Gly283fs)

Gene: IQSEC2 (IQ motif and Sec7 domain ArfGEF 2; minus strand). Cytogenetic location: Xp11.22.
Variant type: Deletion.
Coding change: c.848del on transcript NM_001111125.3 (MANE Select); coding-DNA position 848, one base deleted (G; older notation c.848delG).
Protein change: p.Gly283fs; shifts the reading frame from glycine 283.
Molecular consequence: frameshift variant.
Genome position (GRCh38, 1-based): chrX:53,255,951, C deleted on the plus strand (G on the coding strand, the reverse complement: IQSEC2 is on the minus strand); the first of 6 consecutive C bases (chrX:53,255,951-53,255,956); deleting any one gives the same sequence. VCF-style (leftmost placement, unchanged base first): chrX-53255950-GC-G. GRCh37 (hg19) VCF-style: chrX-53285132-GC-G.
Other names: c.233del, p.Gly78fs (NM_015075.2); c.848del (NM_001111125.1, NM_001111125.2); short protein forms G283fs, G78fs.
Identifiers: ClinVar variation 573936 (VCV000573936.10), dbSNP rs782660318, ClinGen allele CA10420135.
Genomic context (GRCh38, chrX:53,255,950, plus strand): 5'-GACACTGGCTGGCTGGAGGCGTGCCCGCTGAGCCCAGGGAAGGCCCACTCCAGCAGGGGG[GC>G]CCCCCATGTGGCTGCTGGAGGGGGGCAGCTGGCTCAGCCGGTAGGGGGGTTGGCTCCCAG-3'

ClinVar aggregate classification (germline): Pathogenic. Review status: criteria provided, multiple submitters, no conflicts (2 of 4 stars). 3 submissions from 3 submitters: Pathogenic (3). Last evaluated 2024-02-02.

Conditions:
Intellectual developmental disorder, X-linked 1. Also called: MENTAL RETARDATION, X-LINKED 18; MENTAL RETARDATION, X-LINKED 78; Intellectual disability, X-linked 1; Atkin Flaitz Patil Smith syndrome. Identifiers: Orphanet 777, MedGen C2931498, MONDO:0010656, OMIM 309530.

Submissions (3):

Institute of Immunology and Genetics Kaiserslautern
Classification: Pathogenic for Intellectual developmental disorder, X-linked 1. Last evaluated: 2024-02-02. Review status: criteria provided, single submitter. Criteria: ACMG Guidelines, 2015. Collection method: clinical testing. Allele origin: de novo. Affected: yes.
Comment: ACMG Criteria: PM2, PVS1, PP5; Variant was found in heterozygous state

GeneDx
Classification: Pathogenic. Last evaluated: 2023-09-29. Review status: criteria provided, single submitter. Criteria: GeneDx Variant Classification Process June 2021. Collection method: clinical testing. Allele origin: germline. Affected: yes.
Comment: Frameshift variant predicted to result in protein truncation or nonsense mediated decay in a gene for which loss-of-function is a known mechanism of disease; Not observed in large population cohorts (gnomAD); This variant is associated with the following publications: (PMID: 34070668)

Labcorp Genetics (formerly Invitae), Labcorp
Classification: Pathogenic for Intellectual developmental disorder, X-linked 1. Last evaluated: 2019-06-04. Review status: criteria provided, single submitter. Criteria: Invitae Variant Classification Sherloc (09022015). Collection method: clinical testing. Allele origin: germline.
Comment: This sequence change creates a premature translational stop signal (p.Gly283Alafs*23) in the IQSEC2 gene. It is expected to result in an absent or disrupted protein product. This variant is present in population databases (rs782660318, ExAC 0.004%). This variant has not been reported in the literature in individuals with IQSEC2-related disease. ClinVar contains an entry for this variant (Variation ID: 573936). Loss-of-function variants in IQSEC2 are known to be pathogenic (PMID: 21686261, 26793055, 27665735). For these reasons, this variant has been classified as Pathogenic.

Literature cited by the submitters: PubMed 21686261 (cited by Labcorp Genetics (formerly Invitae), Labcorp); PubMed 26793055 (cited by Labcorp Genetics (formerly Invitae), Labcorp); PubMed 27665735 (cited by Labcorp Genetics (formerly Invitae), Labcorp).